The following is an entry in ClinVar:

ClinVar aggregate classification (germline): Likely benign (1 of 4 stars; one submission).

Submission:

CeGaT Center for Human Genetics Tuebingen
Classification: Likely benign. Last evaluated: 2026-08-01. Review status: criteria provided, single submitter. Criteria: CeGaT Center For Human Genetics Tuebingen Variant Classification Criteria Version 2. Collection method: clinical testing. Allele origin: germline. Affected: yes. Observed: 1 variant allele.
Comment: SPEF2: BP4

NM_024867.4(SPEF2):c.1355+7del

Gene: SPEF2 (sperm flagellar and cilia associated 2; plus strand). Cytogenetic location: 5p13.2.
Variant type: Deletion.
Coding change: c.1355+7del on transcript NM_024867.4 (MANE Select); 7 bases into the intron after coding-DNA position 1355, one base deleted (A; older notation c.1355+7delA).
Molecular consequence: intron variant.
Genome position (GRCh38, 1-based): chr5:35,667,266, A deleted. VCF-style (leftmost placement, unchanged base first): chr5-35667265-TA-T. GRCh37 (hg19) VCF-style: chr5-35667367-TA-T.
Other names: c.1355+7del (NM_144722.4).
Identifiers: ClinVar variation 5038478 (VCV005038478.1).